The following is an entry in ClinVar:

NM_000051.4(ATM):c.3653T>A (p.Val1218Asp)

Gene: ATM (ATM serine/threonine kinase; plus strand). Cytogenetic location: 11q22.3.
Variant type: single nucleotide variant.
Coding change: c.3653T>A on transcript NM_000051.4 (MANE Select); coding-DNA position 3653, T replaced by A.
Protein change: p.Val1218Asp; replaces valine 1218 with aspartic acid.
Molecular consequence: missense variant.
Genome position (GRCh38, 1-based): chr11:108,282,786, T>A. VCF-style: chr11-108282786-T-A. GRCh37 (hg19) VCF-style: chr11-108153513-T-A.
Other names: c.3653T>A, p.Val1218Asp (NM_001351834.2); short protein forms V1218D.
Identifiers: ClinVar variation 3656089 (VCV003656089.2).

ClinVar aggregate classification (germline): Uncertain significance (1 of 4 stars; one submission).

Conditions:
Ataxia-telangiectasia syndrome (AT). Also called: LOUIS-BAR SYNDROME; Cerebello-oculocutaneous telangiectasia; Immunodeficiency with ataxia telangiectasia; ATAXIA-TELANGIECTASIA, COMPLEMENTATION GROUP A; ATAXIA-TELANGIECTASIA, FRESNO VARIANT; Ataxia-telangiectasia, complementation group D. Identifiers: Orphanet 100, MedGen C0004135, MONDO:0008840, OMIM 208900.

Submission:

Labcorp Genetics (formerly Invitae), Labcorp
Classification: Uncertain significance for Ataxia-telangiectasia syndrome. Last evaluated: 2024-06-10. Review status: criteria provided, single submitter. Criteria: Invitae Variant Classification Sherloc (09022015). Collection method: clinical testing. Allele origin: germline.
Comment: This sequence change replaces valine, which is neutral and non-polar, with aspartic acid, which is acidic and polar, at codon 1218 of the ATM protein (p.Val1218Asp). This variant is not present in population databases (gnomAD no frequency). This variant has not been reported in the literature in individuals affected with ATM-related conditions. An algorithm developed to predict the effect of missense changes on protein structure and function (PolyPhen-2) suggests that this variant is likely to be disruptive. In summary, the available evidence is currently insufficient to determine the role of this variant in disease. Therefore, it has been classified as a Variant of Uncertain Significance.